The following is an entry in ClinVar:

NM_000719.7(CACNA1C):c.4830T>G (p.Asp1610Glu)

Genes: CACNA1C (calcium voltage-gated channel subunit alpha1 C; plus strand), CACNA1C-AS1 (CACNA1C antisense RNA 1; minus strand). Cytogenetic location: 12p13.33.
Variant type: single nucleotide variant.
Coding change: c.4830T>G on transcript NM_000719.7 (MANE Select); coding-DNA position 4830, T replaced by G.
Protein change: p.Asp1610Glu; replaces aspartic acid 1610 with glutamic acid.
Molecular consequence: missense variant. On other transcripts: non-coding transcript variant (1).
Genome position (GRCh38, 1-based): chr12:2,677,095, T>G. VCF-style: chr12-2677095-T-G. GRCh37 (hg19) VCF-style: chr12-2786261-T-G.
Other names: c.4974T>G, p.Asp1658Glu (NM_001129827.2, NM_199460.4); c.4953T>G, p.Asp1651Glu (NM_001129829.2); c.4830T>G, p.Asp1610Glu (NM_001129830.3, NM_001129840.2, NM_001129841.2 and 4 more transcripts); c.4914T>G, p.Asp1638Glu (NM_001129831.2); c.4890T>G, p.Asp1630Glu (NM_001129832.2); c.4887T>G, p.Asp1629Glu (NM_001129833.2, NM_001129834.2, NM_001129835.2); c.4881T>G, p.Asp1627Glu (NM_001129836.2); c.4854T>G, p.Asp1618Glu (NM_001129837.2, NM_001129838.2); and 3 more; short protein forms D1607E, D1618E, D1599E, D1627E, D1610E, D1630E, D1658E, D1616E.
Identifiers: ClinVar variation 1498256 (VCV001498256.6), dbSNP rs2153787228, ClinGen allele CA383377887.

ClinVar aggregate classification (germline): Uncertain significance (1 of 4 stars; one submission).

Conditions:
Long QT syndrome (LQTS). Identifiers: MedGen C0023976, MeSH D008133, MONDO:0002442. Disease mechanism: loss of function. Inheritance: Various modes of inheritance.

Submission:

Labcorp Genetics (formerly Invitae), Labcorp
Classification: Uncertain significance for Long QT syndrome. Last evaluated: 2026-01-05. Review status: criteria provided, single submitter. Criteria: Invitae Variant Classification Sherloc (09022015). Collection method: clinical testing. Allele origin: germline.
Comment: This sequence change replaces aspartic acid, which is acidic and polar, with glutamic acid, which is acidic and polar, at codon 1610 of the CACNA1C protein (p.Asp1610Glu). This variant is not present in population databases (gnomAD no frequency). This variant has not been reported in the literature in individuals affected with CACNA1C-related conditions. ClinVar contains an entry for this variant (Variation ID: 1498256). An algorithm developed to predict the effect of missense changes on protein structure and function (PolyPhen-2) suggests that this variant is likely to be disruptive. In summary, the available evidence is currently insufficient to determine the role of this variant in disease. Therefore, it has been classified as a Variant of Uncertain Significance.